The following is an entry in ClinVar:

NM_003718.5(CDK13):c.739A>C (p.Lys247Gln)

Gene: CDK13 (cyclin dependent kinase 13; plus strand). Cytogenetic location: 7p14.1.
Variant type: single nucleotide variant.
Coding change: c.739A>C on transcript NM_003718.5 (MANE Select); coding-DNA position 739, A replaced by C.
Protein change: p.Lys247Gln; replaces lysine 247 with glutamine.
Molecular consequence: missense variant.
Genome position (GRCh38, 1-based): chr7:39,951,380, A>C. VCF-style: chr7-39951380-A-C. GRCh37 (hg19) VCF-style: chr7-39990979-A-C.
Other names: c.739A>C, p.Lys247Gln (NM_031267.4); short protein forms K247Q.
Identifiers: ClinVar variation 4802466 (VCV004802466.1).

ClinVar aggregate classification (germline): Uncertain significance (1 of 4 stars; one submission).

Submission:

Labcorp Genetics (formerly Invitae), Labcorp
Classification: Uncertain significance. Last evaluated: 2025-10-13. Review status: criteria provided, single submitter. Criteria: Invitae Variant Classification Sherloc (09022015). Collection method: clinical testing. Allele origin: germline.
Comment: This sequence change replaces lysine, which is basic and polar, with glutamine, which is neutral and polar, at codon 247 of the CDK13 protein (p.Lys247Gln). This variant is not present in population databases (gnomAD no frequency). This variant has not been reported in the literature in individuals affected with CDK13-related conditions. Invitae Evidence Modeling of protein sequence and biophysical properties (such as structural, functional, and spatial information, amino acid conservation, physicochemical variation, residue mobility, and thermodynamic stability) indicates that this missense variant is not expected to disrupt CDK13 protein function with a negative predictive value of 95%. In summary, the available evidence is currently insufficient to determine the role of this variant in disease. Therefore, it has been classified as a Variant of Uncertain Significance.